The following is an entry in ClinVar:

ClinVar aggregate classification (germline): Uncertain significance. Review status: criteria provided, multiple submitters, no conflicts (2 of 4 stars). 2 submissions from 2 submitters: Uncertain significance (2). Last evaluated 2025-07-24.

Conditions:
SCLT1-related disorder. Also called: SCLT1-related condition.

Allele frequency attached by ClinVar (database versions not stated): gnomAD exomes below 0.00001; gnomAD 0.00001; ExAC 0.00002; TOPMed 0.00003.
gnomAD v4.1: 7 of 1,602,490 alleles (0.00044%); highest among the groups gnomAD compares: African/African-American, 0.0094%; no homozygotes.

Submissions (2):

PreventionGenetics, part of Exact Sciences
Classification: Uncertain significance for SCLT1-related condition. Last evaluated: 2025-07-24. Review status: criteria provided, single submitter. Criteria: ACMG Guidelines, 2015. Collection method: clinical testing. Allele origin: germline.
Comment: The SCLT1 c.1096G>A variant is predicted to result in the amino acid substitution p.Glu366Lys. To our knowledge, this variant has not been reported in the literature. This variant is reported in 0.019% of alleles in individuals of African descent in gnomAD. At this time, the clinical significance of this variant is uncertain due to the absence of conclusive functional and genetic evidence.

Labcorp Genetics (formerly Invitae), Labcorp
Classification: Uncertain significance. Last evaluated: 2022-03-17. Review status: criteria provided, single submitter. Criteria: Invitae Variant Classification Sherloc (09022015). Collection method: clinical testing. Allele origin: germline.
Comment: This sequence change replaces glutamic acid, which is acidic and polar, with lysine, which is basic and polar, at codon 366 of the SCLT1 protein (p.Glu366Lys). This variant is present in population databases (rs778908118, gnomAD 0.02%). This variant has not been reported in the literature in individuals affected with SCLT1-related conditions. Algorithms developed to predict the effect of missense changes on protein structure and function output the following: SIFT: "Tolerated"; PolyPhen-2: "Benign"; Align-GVGD: "Class C0". The lysine amino acid residue is found in multiple mammalian species, which suggests that this missense change does not adversely affect protein function. In summary, the available evidence is currently insufficient to determine the role of this variant in disease. Therefore, it has been classified as a Variant of Uncertain Significance.

NM_144643.4(SCLT1):c.1096G>A (p.Glu366Lys)

Gene: SCLT1 (sodium channel and clathrin linker 1; minus strand). Cytogenetic location: 4q28.2.
Variant type: single nucleotide variant.
Coding change: c.1096G>A on transcript NM_144643.4 (MANE Select); coding-DNA position 1096, G replaced by A.
Protein change: p.Glu366Lys; replaces glutamic acid 366 with lysine.
Molecular consequence: missense variant.
Genome position (GRCh38, 1-based): chr4:128,957,076, C>T on the plus strand (G>A on the coding strand, the complement: SCLT1 is on the minus strand). VCF-style: chr4-128957076-C-T. GRCh37 (hg19) VCF-style: chr4-129878231-C-T.
Other names: c.1096G>A, p.Glu366Lys (NM_001410807.1); c.1096G>A (NM_144643.3); short protein forms E366K.
Identifiers: ClinVar variation 1915299 (VCV001915299.3), dbSNP rs778908118, ClinGen allele CA3079741.
Genomic context (GRCh38, chr4:128,957,076, plus strand): 5'-AAATCCTTACTTCTTTCTTGGTTCTTATGGTAGCATCTTGTACAAACCGAGAAACTGTCT[C>T]TTTCATTTTCTCTATGTCTTCTTCTTTTTGCTTCTCCTCAAGTAGAGCCTTCAGAAAATA-3'
Protein context (NP_653244.2, residues 356-376): QKEEDIEKMK[Glu366Lys]TVSRFVQDAT